The following is an entry in ClinVar:

NM_001018115.3(FANCD2):c.3777+1G>T

Genes: FANCD2 (FA complementation group D2; plus strand), FANCD2OS (FANCD2 opposite strand; minus strand). Cytogenetic location: 3p25.3.
Variant type: single nucleotide variant.
Coding change: c.3777+1G>T on transcript NM_001018115.3 (MANE Select); the canonical splice donor site of the intron after coding-DNA position 3777, G replaced by T.
Molecular consequence: splice donor variant. On other transcripts: intron variant (1).
Genome position (GRCh38, 1-based): chr3:10,090,386, G>T. VCF-style: chr3-10090386-G-T. GRCh37 (hg19) VCF-style: chr3-10132070-G-T.
Other names: c.3777+1G>T (NM_001319984.2, NM_033084.6, NM_001374254.1); c.3666+1G>T (NM_001374253.1); c.*44-8855C>A (NM_173472.2).
Identifiers: ClinVar variation 1685811 (VCV001685811.3), dbSNP rs1434069831, ClinGen allele CA351755503.
Genomic context (GRCh38, chr3:10,090,386, plus strand): 5'-GCTGAACTAGAGAAGACGGTGAAAAAAATTGAGCCTGGCACAGCAGCAGACTCGCAGCAG[G>T]TGAGTAAGATAATAGTCACTTCAAGAAGTGGACTTTGGATTACTTGGAAGTTGCTGATTT-3'

ClinVar aggregate classification (germline): Pathogenic. Review status: criteria provided, single submitter (1 of 4 stars). 2 submissions from 2 submitters: Pathogenic (1). 1 of the submissions does not count toward it. Last evaluated 2022-05-04.

Conditions:
Fanconi anemia complementation group D2. Also called: FANCD2-Related Fanconi Anemia; FANCONI PANCYTOPENIA, TYPE 4; FANCONI ANEMIA, COMPLEMENTATION GROUP D. Identifiers: Orphanet 84, MedGen C3160738, MONDO:0009214, OMIM 227646.
FANCD2-related disorder. Also called: FANCD2-related condition.

Allele frequency attached by ClinVar (database versions not stated): TOPMed below 0.00001; gnomAD 0.00001.
gnomAD v4.1: 6 of 1,598,768 alleles (0.00038%); highest among the groups gnomAD compares: South Asian, 0.0011%; no homozygotes.

Submissions (2):

Mendelics
Classification: Pathogenic for Fanconi anemia complementation group D2. Last evaluated: 2022-05-04. Review status: criteria provided, single submitter. Criteria: Mendelics Assertion Criteria 2019. Collection method: clinical testing. Allele origin: germline.

PreventionGenetics, part of Exact Sciences
Classification: Likely pathogenic for FANCD2-related condition. Last evaluated: 2024-06-11. Review status: no assertion criteria provided. Collection method: clinical testing. Allele origin: germline. Not counted in ClinVar's aggregate classification.
Comment: The FANCD2 c.3777+1G>T variant is predicted to disrupt the GT donor site and interfere with normal splicing. To our knowledge, this variant has not been reported in the literature or in gnomAD, indicating this variant is rare. Variants that disrupt the consensus splice donor site in FANCD2 are expected to be pathogenic. This variant is interpreted as likely pathogenic.